The following is an entry in ClinVar:

ClinVar aggregate classification (germline): Likely benign. Review status: criteria provided, multiple submitters, no conflicts (2 of 4 stars). 2 submissions from 2 submitters: Likely benign (2). Last evaluated 2026-07-01.

Conditions:
Severe combined immunodeficiency due to DNA-PKcs deficiency. Also called: Immunodeficiency 26 with or without neurologic abnormalities; IMMUNODEFICIENCY 26 WITH NEUROLOGIC ABNORMALITIES. Identifiers: Orphanet 317425, MedGen C4014833, MONDO:0014423, OMIM 615966.

Allele frequency attached by ClinVar (database versions not stated): gnomAD 0.00010; TOPMed 0.00010; gnomAD exomes 0.00006 and 0.00007; ExAC 0.00007.
gnomAD v4.1: 109 of 1,613,878 alleles (0.0068%); highest among the groups gnomAD compares: Non-Finnish European, 0.0088%; no homozygotes.

Submissions (2):

CeGaT Center for Human Genetics Tuebingen
Classification: Likely benign. Last evaluated: 2026-07-01. Review status: criteria provided, single submitter. Criteria: CeGaT Center For Human Genetics Tuebingen Variant Classification Criteria Version 2. Collection method: clinical testing. Allele origin: germline. Affected: yes. Observed: 1 variant allele.
Comment: PRKDC: BP4, BP7

Labcorp Genetics (formerly Invitae), Labcorp
Classification: Likely benign for Severe combined immunodeficiency due to DNA-PKcs deficiency. Last evaluated: 2025-09-25. Review status: criteria provided, single submitter. Criteria: Invitae Variant Classification Sherloc (09022015). Collection method: clinical testing. Allele origin: germline.

NM_006904.7(PRKDC):c.4179T>A (p.Ala1393=)

Gene: PRKDC (protein kinase, DNA-activated, catalytic subunit; minus strand). Cytogenetic location: 8q11.21.
Variant type: single nucleotide variant.
Coding change: c.4179T>A on transcript NM_006904.7 (MANE Select); coding-DNA position 4179, T replaced by A.
Protein change: p.Ala1393=; no amino-acid change (alanine 1393 retained).
Molecular consequence: synonymous variant.
Genome position (GRCh38, 1-based): chr8:47,889,115, A>T on the plus strand (T>A on the coding strand, the complement: PRKDC is on the minus strand). VCF-style: chr8-47889115-A-T. GRCh37 (hg19) VCF-style: chr8-48801676-A-T.
Other names: c.4179T>A, p.Ala1393= (NM_001081640.2).
Identifiers: ClinVar variation 1129820 (VCV001129820.10), dbSNP rs774069970, ClinGen allele CA4740983.